The following is an entry in ClinVar:

NM_005204.4(MAP3K8):c.418G>T (p.Gly140Cys)

Gene: MAP3K8 (mitogen-activated protein kinase kinase kinase 8; plus strand). Cytogenetic location: 10p11.23.
Variant type: single nucleotide variant.
Coding change: c.418G>T on transcript NM_005204.4 (MANE Select); coding-DNA position 418, G replaced by T.
Protein change: p.Gly140Cys; replaces glycine 140 with cysteine.
Molecular consequence: missense variant.
Genome position (GRCh38, 1-based): chr10:30,447,863, G>T. VCF-style: chr10-30447863-G-T. GRCh37 (hg19) VCF-style: chr10-30736792-G-T.
Other names: c.418G>T, p.Gly140Cys (NM_001244134.1, NM_001320961.2); short protein forms G140C.
Identifiers: ClinVar variation 1499277 (VCV001499277.8), dbSNP rs201892819, ClinGen allele CA5459661.

ClinVar aggregate classification (germline): Uncertain significance (1 of 4 stars; one submission).

Allele frequency attached by ClinVar (database versions not stated): ExAC 0.00001; gnomAD 0.00007; 1000 Genomes Project 30x 0.00016; TOPMed 0.00018; 1000 Genomes Project 0.00020.
gnomAD v4.1: 19 of 1,613,380 alleles (0.0012%); highest among the groups gnomAD compares: Admixed American, 0.022%; no homozygotes.

Submission:

Labcorp Genetics (formerly Invitae), Labcorp
Classification: Uncertain significance. Last evaluated: 2022-02-06. Review status: criteria provided, single submitter. Criteria: Invitae Variant Classification Sherloc (09022015). Collection method: clinical testing. Allele origin: germline.
Comment: This sequence change replaces glycine, which is neutral and non-polar, with cysteine, which is neutral and slightly polar, at codon 140 of the MAP3K8 protein (p.Gly140Cys). In summary, the available evidence is currently insufficient to determine the role of this variant in disease. Therefore, it has been classified as a Variant of Uncertain Significance. Algorithms developed to predict the effect of missense changes on protein structure and function are either unavailable or do not agree on the potential impact of this missense change (SIFT: "Deleterious"; PolyPhen-2: "Probably Damaging"; Align-GVGD: "Class C0"). This variant has not been reported in the literature in individuals affected with MAP3K8-related conditions. This variant is present in population databases (rs201892819, gnomAD 0.006%).